The following is an entry in ClinVar:

NM_000171.4(GLRA1):c.1082G>A (p.Arg361His)

Gene: GLRA1 (glycine receptor alpha 1; minus strand). Cytogenetic location: 5q33.1.
Variant type: single nucleotide variant.
Coding change: c.1082G>A on transcript NM_000171.4 (MANE Select); coding-DNA position 1082, G replaced by A.
Protein change: p.Arg361His; replaces arginine 361 with histidine.
Molecular consequence: missense variant.
Genome position (GRCh38, 1-based): chr5:151,822,941, C>T on the plus strand (G>A on the coding strand, the complement: GLRA1 is on the minus strand). VCF-style: chr5-151822941-C-T. GRCh37 (hg19) VCF-style: chr5-151202502-C-T.
Other names: c.1106G>A, p.Arg369His (NM_001146040.2); c.833G>A, p.Arg278His (NM_001292000.2); short protein forms R278H, R361H, R369H.
Identifiers: ClinVar variation 950008 (VCV000950008.11), dbSNP rs147471585, ClinGen allele CA3523511.

ClinVar aggregate classification (germline): Uncertain significance. Review status: criteria provided, multiple submitters, no conflicts (2 of 4 stars). 2 submissions from 2 submitters: Uncertain significance (2). Last evaluated 2024-09-09.

Conditions:
Hereditary hyperekplexia. Identifiers: Orphanet 3197, MedGen C4084968, MONDO:0021022.

Allele frequency attached by ClinVar (database versions not stated): gnomAD 0.00001 and 0.00003; TOPMed 0.00002; 1000 Genomes Project 30x 0.00016; 1000 Genomes Project 0.00020.
gnomAD v4.1: 66 of 1,608,622 alleles (0.0041%); highest among the groups gnomAD compares: Middle Eastern, 0.033%; no homozygotes.

Submissions (2):

Women's Health and Genetics/Laboratory Corporation of America, LabCorp
Classification: Uncertain significance. Last evaluated: 2024-09-09. Review status: criteria provided, single submitter. Criteria: LabCorp Variant Classification Summary - May 2015. Collection method: clinical testing. Allele origin: germline.
Comment: Variant summary: GLRA1 c.1082G>A (p.Arg361His) results in a non-conservative amino acid change located in the Neurotransmitter-gated ion-channel transmembrane domain (IPR006029) of the encoded protein sequence. Four of five in-silico tools predict a damaging effect of the variant on protein function. The variant allele was found at a frequency of 2.4e-05 in 248348 control chromosomes. The available data on variant occurrences in the general population are insufficient to allow any conclusion about variant significance. To our knowledge, no occurrence of c.1082G>A in individuals affected with Hyperekplexia 1 and no experimental evidence demonstrating its impact on protein function have been reported. ClinVar contains an entry for this variant (Variation ID: 950008). Based on the evidence outlined above, the variant was classified as uncertain significance.

Labcorp Genetics (formerly Invitae), Labcorp
Classification: Uncertain significance for Hereditary hyperekplexia. Last evaluated: 2024-04-02. Review status: criteria provided, single submitter. Criteria: Invitae Variant Classification Sherloc (09022015). Collection method: clinical testing. Allele origin: germline.
Comment: This sequence change replaces arginine, which is basic and polar, with histidine, which is basic and polar, at codon 361 of the GLRA1 protein (p.Arg361His). This variant is present in population databases (rs147471585, gnomAD 0.005%). This variant has not been reported in the literature in individuals affected with GLRA1-related conditions. ClinVar contains an entry for this variant (Variation ID: 950008). Advanced modeling of protein sequence and biophysical properties (such as structural, functional, and spatial information, amino acid conservation, physicochemical variation, residue mobility, and thermodynamic stability) has been performed at Invitae for this missense variant, however the output from this modeling did not meet the statistical confidence thresholds required to predict the impact of this variant on GLRA1 protein function. In summary, the available evidence is currently insufficient to determine the role of this variant in disease. Therefore, it has been classified as a Variant of Uncertain Significance.